The following is an entry in ClinVar:

NM_053025.4(MYLK):c.535C>T (p.Arg179Ter)

Gene: MYLK (myosin light chain kinase; minus strand). Cytogenetic location: 3q21.1.
Variant type: single nucleotide variant.
Coding change: c.535C>T on transcript NM_053025.4 (MANE Select); coding-DNA position 535, C replaced by T.
Protein change: p.Arg179Ter; replaces arginine 179 with a stop codon.
Molecular consequence: nonsense.
Genome position (GRCh38, 1-based): chr3:123,738,950, G>A on the plus strand (C>T on the coding strand, the complement: MYLK is on the minus strand). VCF-style: chr3-123738950-G-A. GRCh37 (hg19) VCF-style: chr3-123457797-G-A.
Other names: c.7C>T, p.Arg3Ter (NM_001321309.2); c.535C>T, p.Arg179Ter (NM_053026.4, NM_053027.4, NM_053028.4); short protein forms R179*, R3*.
Identifiers: ClinVar variation 810714 (VCV000810714.54), dbSNP rs761508149, ClinGen allele CA073107.

ClinVar aggregate classification (germline): Conflicting classifications of pathogenicity. Review status: criteria provided, conflicting classifications (1 of 4 stars). 6 submissions from 6 submitters: Pathogenic (1); Likely pathogenic (1); Uncertain significance (4). Last evaluated 2024-09-16.

Conditions:
Familial thoracic aortic aneurysm and aortic dissection (TAAD). Also called: Thoracic aortic aneurysms and dissections. Identifiers: Orphanet 91387, MedGen C4707243, MONDO:0019625.
Megacystis-microcolon-intestinal hypoperistalsis syndrome 1. Identifiers: MedGen C5542316, MONDO:0100354, OMIM 249210.
Aortic aneurysm, familial thoracic 7 (AAT7). Also called: AORTIC DISSECTION, FAMILIAL, WITH OR WITHOUT AORTIC ANEURYSM. Identifiers: MedGen C3151077, MONDO:0013418, OMIM 613780.

Allele frequency attached by ClinVar (database versions not stated): gnomAD 0.00001; gnomAD exomes 0.00001; TOPMed 0.00001; ExAC 0.00002.

Submissions (6):

Institute of Human Genetics, University of Leipzig Medical Center
Classification: Pathogenic for Megacystis-microcolon-intestinal hypoperistalsis syndrome 1. Last evaluated: 2024-09-16. Review status: criteria provided, single submitter. Criteria: ACMG Guidelines, 2015. Collection method: clinical testing. Allele origin: inherited. Inheritance: Autosomal recessive inheritance. Affected: yes.
Comment: Criteria applied: PVS1,PM2_SUP,PM3_SUP

GeneDx
Classification: Uncertain significance. Last evaluated: 2023-06-07. Review status: criteria provided, single submitter. Criteria: GeneDx Variant Classification Process June 2021. Collection method: clinical testing. Allele origin: germline. Affected: yes.
Comment: Has not been previously published as pathogenic or benign to our knowledge; Not observed at significant frequency in large population cohorts (gnomAD); Nonsense variant predicted to result in protein truncation or nonsense mediated decay in a gene or region of a gene for which loss of function is not a well-established mechanism of disease; Not located in the smooth muscle isoform, where the majority of loss-of-function variants associated with autosomal dominant TAAD and autosomal recessive MMIHS have been reported to date (Wang et al., 2010; HGMD); This variant is associated with the following publications: (PMID: 21055718)

Labcorp Genetics (formerly Invitae), Labcorp
Classification: Uncertain significance for Aortic aneurysm, familial thoracic 7. Last evaluated: 2023-05-08. Review status: criteria provided, single submitter. Criteria: Invitae Variant Classification Sherloc (09022015). Collection method: clinical testing. Allele origin: germline.
Comment: In summary, the available evidence is currently insufficient to determine the role of this variant in disease. Therefore, it has been classified as a Variant of Uncertain Significance. ClinVar contains an entry for this variant (Variation ID: 810714). This variant has not been reported in the literature in individuals affected with MYLK-related conditions. The frequency data for this variant in the population databases is considered unreliable, as metrics indicate poor data quality at this position in the gnomAD database. This sequence change creates a premature translational stop signal (p.Arg179*) in the MYLK gene. This variant occurs in the long isoform of MYLK (PMID: 21055718). The current clinical and genetic evidence is not sufficient to establish whether loss-of-function variants in the long isoform of MYLK cause disease.

Ambry Genetics
Classification: Uncertain significance for Familial thoracic aortic aneurysm and aortic dissection. Last evaluated: 2022-11-23. Review status: criteria provided, single submitter. Criteria: Ambry Variant Classification Scheme 2023. Collection method: clinical testing. Allele origin: germline.
Comment: The p.R179* variant (also known as c.535C>T), located in coding exon 4 of the MYLK gene, results from a C to T substitution at nucleotide position 535. This changes the amino acid from an arginine to a stop codon within coding exon 4. This alteration is expected to result in loss of function due to an abnormal transcript, a translational frameshift leading to premature truncation, or nonsense-mediated mRNA decay. However, this alteration impacts only the long, non-muscle MYLK isoform. While loss of function alterations that impact both the long and short MYLK isoforms have been reported in many patients with thoracic aortic aneurysms and dissections (TAAD), similar data is lacking for alterations that affect only the long isoform (Wallace SE et al. Genet Med 2019 01;21(1):144-151; Ambry internal data). Since supporting evidence is limited at this time, the clinical significance of this alteration remains unclear.

Laboratory for Molecular Medicine, Mass General Brigham Personalized Medicine
Classification: Uncertain significance for Familial thoracic aortic aneurysm and aortic dissection. Last evaluated: 2019-04-05. Review status: criteria provided, single submitter. Criteria: ACMG Guidelines, 2015. Collection method: clinical testing. Allele origin: germline.
Comment: The p.Arg179X variant in MYLK has not been previously reported in individuals with aortic aneurysms and dissections, but has been identified in 2/58846 of European chromosomes by the Exome Aggregation Consortium (ExAC; dbSNP rs761508149). This nonsense variant leads to a premature termination codon at position 179, which is predicted to lead to a truncated or absent protein. Although the p.Arg179X variant is expected to severely impact the protein, the spectrum of variants in MYLK that can cause disease is poorly defined. In summary, the clinical significance of the p.Arg179X variant is uncertain.

CeGaT Center for Human Genetics Tuebingen
Classification: Likely pathogenic. Last evaluated: 2016-06-01. Review status: criteria provided, single submitter. Criteria: CeGaT Center For Human Genetics Tuebingen Variant Classification Criteria Version 2. Collection method: clinical testing. Allele origin: germline. Affected: yes. Observed: 1 variant allele.

Literature cited by the submitters: PubMed 21055718 (cited by Labcorp Genetics (formerly Invitae), Labcorp).